The following is an entry in ClinVar:

NM_199242.3(UNC13D):c.2645A>G (p.Glu882Gly)

Genes: UNC13D (unc-13 homolog D; minus strand), LOC112533672 (Sharpr-MPRA regulatory region 1193; plus strand). Cytogenetic location: 17q25.1.
Variant type: single nucleotide variant.
Coding change: c.2645A>G on transcript NM_199242.3 (MANE Select); coding-DNA position 2645, A replaced by G.
Protein change: p.Glu882Gly; replaces glutamic acid 882 with glycine.
Molecular consequence: missense variant.
Genome position (GRCh38, 1-based): chr17:75,830,642, T>C on the plus strand (A>G on the coding strand, the complement: UNC13D is on the minus strand). VCF-style: chr17-75830642-T-C. GRCh37 (hg19) VCF-style: chr17-73826723-T-C.
Other names: short protein forms E882G.
Identifiers: ClinVar variation 1358541 (VCV001358541.6), dbSNP rs2143865857, ClinGen allele CA401080838.

ClinVar aggregate classification (germline): Uncertain significance (1 of 4 stars; one submission).

Conditions:
Familial hemophagocytic lymphohistiocytosis 3 (FHL3). Also called: UNC13D-Related Familial Hemophagocytic Lymphohistiocytosis (UNC13D-fHLH). Identifiers: Orphanet 540, MedGen C1837174, MONDO:0012146, OMIM 608898.

Submission:

Labcorp Genetics (formerly Invitae), Labcorp
Classification: Uncertain significance for Familial hemophagocytic lymphohistiocytosis 3. Last evaluated: 2024-02-17. Review status: criteria provided, single submitter. Criteria: Invitae Variant Classification Sherloc (09022015). Collection method: clinical testing. Allele origin: germline.
Comment: This sequence change replaces glutamic acid with glycine at codon 882 of the UNC13D protein (p.Glu882Gly). The glutamic acid residue is weakly conserved and there is a moderate physicochemical difference between glutamic acid and glycine. This variant is not present in population databases (gnomAD no frequency). This variant has not been reported in the literature in individuals affected with UNC13D-related conditions. ClinVar contains an entry for this variant (Variation ID: 1358541). Advanced modeling of protein sequence and biophysical properties (such as structural, functional, and spatial information, amino acid conservation, physicochemical variation, residue mobility, and thermodynamic stability) performed at Invitae indicates that this missense variant is not expected to disrupt UNC13D protein function with a negative predictive value of 80%. In summary, the available evidence is currently insufficient to determine the role of this variant in disease. Therefore, it has been classified as a Variant of Uncertain Significance.